The following is an entry in ClinVar:

NM_032119.4(ADGRV1):c.3438C>G (p.Tyr1146Ter)

Gene: ADGRV1 (adhesion G protein-coupled receptor V1; plus strand). Cytogenetic location: 5q14.3.
Variant type: single nucleotide variant.
Coding change: c.3438C>G on transcript NM_032119.4 (MANE Select); coding-DNA position 3438, C replaced by G.
Protein change: p.Tyr1146Ter; replaces tyrosine 1146 with a stop codon.
Molecular consequence: nonsense. On other transcripts: non-coding transcript variant (1).
Genome position (GRCh38, 1-based): chr5:90,652,367, C>G. VCF-style: chr5-90652367-C-G. GRCh37 (hg19) VCF-style: chr5-89948184-C-G.
Other names: short protein forms Y1146*.
Identifiers: ClinVar variation 3896376 (VCV003896376.2).
Genomic context (GRCh38, chr5:90,652,367, plus strand): 5'-GATTCACTACTTATAAATTTTCTTTAATTTATTTTGTAGGATTTTGAGGCACCGAGGATA[C>G]TTTGGTAGTGTTTCTGTATCTTGGCAGCTCTTTCAGAATGATTCTGCTTTGCAGCCTGGG-3'

ClinVar aggregate classification (germline): Pathogenic (1 of 4 stars; one submission).

Conditions:
Usher syndrome. Also called: Usher Syndromes; Usher's syndrome. Identifiers: Orphanet 886, MedGen CN469326, MeSH D052245, MONDO:0019501. Disease mechanism: loss of function.

gnomAD v4.1: 1 of 1,601,848 alleles (0.000062%); highest among the groups gnomAD compares: South Asian, 0.0012%; no homozygotes.

Submission:

Women's Health and Genetics/Laboratory Corporation of America, LabCorp
Classification: Pathogenic for Retinitis pigmentosa-deafness syndrome. Last evaluated: 2025-04-09. Review status: criteria provided, single submitter. Criteria: LabCorp Variant Classification Summary - May 2015. Collection method: clinical testing. Allele origin: germline.
Comment: Variant summary: ADGRV1 c.3438C>G (p.Tyr1146X) results in a premature termination codon, predicted to cause a truncation of the encoded protein or absence of the protein due to nonsense mediated decay, which are commonly known mechanisms for disease. The variant was absent in 243172 control chromosomes. To our knowledge, no occurrence of c.3438C>G in individuals affected with Usher Syndrome and no experimental evidence demonstrating its impact on protein function have been reported. No submitters have cited clinical-significance assessments for this variant to ClinVar. Based on the evidence outlined above, the variant was classified as pathogenic.